The following is an entry in ClinVar:

NM_006580.4(CLDN16):c.437G>A (p.Arg146His)

Gene: CLDN16 (claudin 16; plus strand). Cytogenetic location: 3q28.
Variant type: single nucleotide variant.
Coding change: c.437G>A on transcript NM_006580.4 (MANE Select); coding-DNA position 437, G replaced by A.
Protein change: p.Arg146His; replaces arginine 146 with histidine.
Molecular consequence: missense variant.
Genome position (GRCh38, 1-based): chr3:190,408,368, G>A. VCF-style: chr3-190408368-G-A. GRCh37 (hg19) VCF-style: chr3-190126157-G-A.
Other names: c.437G>A, p.Arg146His (NM_001378492.1, NM_001378493.1); c.647G>A (NM_006580.3); short protein forms R146H.
Identifiers: ClinVar variation 872664 (VCV000872664.49), dbSNP rs772241737, ClinGen allele CA2753875.

ClinVar aggregate classification (germline): Pathogenic/Likely pathogenic. Review status: criteria provided, multiple submitters, no conflicts (2 of 4 stars). 6 submissions from 6 submitters: Pathogenic (2); Likely pathogenic (3). 1 of the submissions does not count toward it. Last evaluated 2026-06-10.

Conditions:
Primary hypomagnesemia (HOMG3). Also called: HYPOMAGNESEMIA 3, RENAL; HYPOMAGNESEMIA, FAMILIAL, WITH HYPERCALCIURIA AND NEPHROCALCINOSIS; HYPOMAGNESEMIA, ISOLATED RENAL; HYPOMAGNESEMIA, PRIMARY, DUE TO DEFECT IN RENAL TUBULAR TRANSPORT OF MAGNESIUM. Identifiers: Orphanet 31043, MedGen C0268448, MONDO:0009550, OMIM 248250.

Allele frequency attached by ClinVar (database versions not stated): gnomAD exomes below 0.00001; TOPMed below 0.00001; gnomAD 0.00001; ExAC 0.00002.
gnomAD v4.1: 6 of 1,613,938 alleles (0.00037%); highest among the groups gnomAD compares: African/African-American, 0.0013%; no homozygotes.

Submissions (6):

Department of Endocrinology, Bangladesh Medical University
Classification: Likely pathogenic for Primary hypomagnesemia. Last evaluated: 2026-06-10. Review status: criteria provided, single submitter. Criteria: ACMG Guidelines, 2015. Collection method: provider interpretation. Allele origin: germline. Inheritance: Autosomal recessive inheritance. Affected: yes. Observed: 1 variant allele, 1 homozygote.
Comment: The variant NM_006580.4(CLDN16):c.437G>A (p.Arg146His) is classified as Likely Pathogenic based on the following ACMG/AMP 2015 criteria PS1 (Strong): The identical amino acid substitution p.Arg146His has been previously classified as Pathogenic by independent clinical laboratories. PM2 (Moderate): The variant is present at extremely low frequency in the general population — observed in 6/1,613,938 alleles in gnomAD v4.1.0. PP3 (Supporting): Multiple in-silico tools including SIFT, LRT, MutPred, MutationTaster, FATHMM predict a deleterious effect on protein function. Arg146 is highly conserved across vertebrate species (phyloP100 = 7.237), supporting functional importance of this residue. PP4 (Supporting): The proband's clinical phenotype e.g. hypomagnesemia, hypocalcemia, bilateral nephrolithiasis, hypercalciuria — is highly specific for CLDN16-related Primary Hypomagnesemia (OMIM #248190, Autosomal Recessive). This case is described in a published case report- PMID: 41306405 (DOI 10.1002/ccr3.71530). This represents the first published literature citation for this specific variant.

Fulgent Genetics
Classification: Likely pathogenic for Primary hypomagnesemia. Last evaluated: 2024-03-08. Review status: criteria provided, single submitter. Criteria: ACMG Guidelines, 2015. Collection method: clinical testing. Allele origin: germline.

Palindrome, Gene Kavoshgaran Aria
Classification: Pathogenic for Primary hypomagnesemia. Last evaluated: 2023-05-29. Review status: criteria provided, single submitter. Criteria: ACMG Guidelines, 2015. Collection method: clinical testing. Allele origin: germline. Inheritance: Autosomal recessive inheritance. Affected: yes. Observed: 1 homozygote.

Revvity Omics, Revvity
Classification: Likely pathogenic for Primary hypomagnesemia. Last evaluated: 2023-01-23. Review status: criteria provided, single submitter. Criteria: ACMG Guidelines, 2015. Collection method: clinical testing. Allele origin: germline.

CeGaT Center for Human Genetics Tuebingen
Classification: Pathogenic. Last evaluated: 2019-08-01. Review status: criteria provided, single submitter. Criteria: CeGaT Center For Human Genetics Tuebingen Variant Classification Criteria Version 2. Collection method: clinical testing. Allele origin: germline. Affected: yes. Observed: 1 variant allele.

Chinese Inherited Urolithiasis Consortium, The Affiliated Yantai Yuhuangding Hospital of Qingdao University
Classification: Pathogenic for Primary hypomagnesemia. Last evaluated: 2024-08-26. Review status: no assertion criteria provided. Collection method: clinical testing. Allele origin: paternal. Affected: yes. Observed: 1 variant allele. Not counted in ClinVar's aggregate classification.

Literature cited by the submitters: PubMed 41306405 (cited by Department of Endocrinology, Bangladesh Medical University).